The following is an entry in ClinVar:

ClinVar aggregate classification (germline): Pathogenic/Likely pathogenic. Review status: criteria provided, multiple submitters, no conflicts (2 of 4 stars). 3 submissions from 3 submitters: Pathogenic (1); Likely pathogenic (1). 1 of the submissions does not count toward it. Last evaluated 2024-05-09.

Conditions:
Cataract 14 multiple types. Also called: CATARACT 14, ZONULAR PULVERULENT; CATARACT 14, NUCLEAR PULVERULENT; CATARACT 14, NUCLEAR PULVERULENT AND POSTERIOR POLAR; CATARACT 14, NUCLEAR CORALLIFORM; CATARACT 14, EMBRYONAL NUCLEAR; CATARACT 14, COPPOCK-LIKE. Identifiers: Orphanet 91492, MedGen C1866078, MONDO:0011162, OMIM 601885.

Submissions (3):

Labcorp Genetics (formerly Invitae), Labcorp
Classification: Pathogenic for Cataract 14 multiple types. Last evaluated: 2024-05-09. Review status: criteria provided, single submitter. Criteria: Invitae Variant Classification Sherloc (09022015). Collection method: clinical testing. Allele origin: germline.
Comment: This sequence change replaces glycine, which is neutral and non-polar, with arginine, which is basic and polar, at codon 143 of the GJA3 protein (p.Gly143Arg). This variant is not present in population databases (gnomAD no frequency). This missense change has been observed in individual(s) with autosomal dominant congenital cataract (PMID: 22876138). It has also been observed to segregate with disease in related individuals. ClinVar contains an entry for this variant (Variation ID: 50945). Advanced modeling of protein sequence and biophysical properties (such as structural, functional, and spatial information, amino acid conservation, physicochemical variation, residue mobility, and thermodynamic stability) performed at Invitae indicates that this missense variant is expected to disrupt GJA3 protein function with a positive predictive value of 80%. Experimental studies have shown that this missense change affects GJA3 function (PMID: 24019978). For these reasons, this variant has been classified as Pathogenic.

Dept. Genetics and Cancer, Menzies Institute for Medical Research, University of Tasmania
Classification: Likely pathogenic for Cataract 14 multiple types. Last evaluated: 2023-01-21. Review status: criteria provided, single submitter. Criteria: ACMG Guidelines, 2015. Collection method: curation. Allele origin: germline. Affected: yes.
Comment: Variant identified and curated during a GJA3 specific review of the literature in relation to pediatric or congenital cataract. ACMG-AMP criteria applied: PP1(Strong), PS4(Supporting), PM2(Supporting), PP3. Original variant report: PMID:22876138;34169787. The cataract phenotype reported for this variant is: Pulverulent disk-like (Coppock). Gene review and curation guidelines are outlined in: DOI 10.1080/17469899.2023.2160320

OMIM
Classification: Pathogenic for CATARACT 14, COPPOCK-LIKE. Last evaluated: 2012-01-01. Review status: no assertion criteria provided. Collection method: literature only. Allele origin: germline. Not counted in ClinVar's aggregate classification.

Literature cited by the submitters: PubMed 22876138 (cited by 3 submitters); PubMed 24019978 (cited by Labcorp Genetics (formerly Invitae), Labcorp); PubMed 34169787 (cited by Dept. Genetics and Cancer, Menzies Institute for Medical Research, University of Tasmania).

NM_021954.4(GJA3):c.427G>A (p.Gly143Arg)

Gene: GJA3 (gap junction protein alpha 3; minus strand). Cytogenetic location: 13q12.11.
Variant type: single nucleotide variant.
Coding change: c.427G>A on transcript NM_021954.4 (MANE Select); coding-DNA position 427, G replaced by A.
Protein change: p.Gly143Arg; replaces glycine 143 with arginine.
Molecular consequence: missense variant.
Genome position (GRCh38, 1-based): chr13:20,142,862, C>T on the plus strand (G>A on the coding strand, the complement: GJA3 is on the minus strand). VCF-style: chr13-20142862-C-T. GRCh37 (hg19) VCF-style: chr13-20717001-C-T.
Other names: short protein forms G143R.
Identifiers: ClinVar variation 50945 (VCV000050945.4), dbSNP rs398122937, ClinGen allele CA214991.